The following is an entry in ClinVar:

NM_012309.5(SHANK2):c.582G>A (p.Pro194=)

Gene: SHANK2 (SH3 and multiple ankyrin repeat domains 2; minus strand). Cytogenetic location: 11q13.4.
Variant type: single nucleotide variant.
Coding change: c.582G>A on transcript NM_012309.5 (MANE Select); coding-DNA position 582, G replaced by A.
Protein change: p.Pro194=; no amino-acid change (proline 194 retained).
Molecular consequence: synonymous variant.
Genome position (GRCh38, 1-based): chr11:71,109,951, C>T on the plus strand (G>A on the coding strand, the complement: SHANK2 is on the minus strand). VCF-style: chr11-71109951-C-T. GRCh37 (hg19) VCF-style: chr11-70820997-C-T.
Identifiers: ClinVar variation 3045460 (VCV003045460.4), dbSNP rs374802574, ClinGen allele CA6162107.

ClinVar aggregate classification (germline): Likely benign. Review status: criteria provided, multiple submitters, no conflicts (2 of 4 stars). 3 submissions from 3 submitters: Likely benign (2). 1 of the submissions does not count toward it. Last evaluated 2026-07-01.

Conditions:
SHANK2-related disorder.

Allele frequency attached by ClinVar (database versions not stated): gnomAD 0.00032; gnomAD exomes 0.00050; 1000 Genomes Project 30x 0.00297; 1000 Genomes Project 0.00319; ExAC 0.00344.
gnomAD v4.1: 754 of 1,550,726 alleles (0.049%); highest among the groups gnomAD compares: South Asian, 0.82%; 13 homozygotes.

Submissions (3):

CeGaT Center for Human Genetics Tuebingen
Classification: Likely benign. Last evaluated: 2026-07-01. Review status: criteria provided, single submitter. Criteria: CeGaT Center For Human Genetics Tuebingen Variant Classification Criteria Version 2. Collection method: clinical testing. Allele origin: germline. Affected: yes. Observed: 1 variant allele.
Comment: SHANK2: BP4, BP7, BS2

Blueprint Genetics
Classification: Likely benign. Last evaluated: 2024-11-04. Review status: criteria provided, single submitter. Criteria: ACMG Guidelines, 2015. Collection method: clinical testing. Allele origin: germline.

PreventionGenetics, part of Exact Sciences
Classification: Likely benign for SHANK2-related condition. Last evaluated: 2023-11-27. Review status: no assertion criteria provided. Collection method: clinical testing. Allele origin: germline. Not counted in ClinVar's aggregate classification.
Comment: This variant is classified as likely benign based on ACMG/AMP sequence variant interpretation guidelines (Richards et al. 2015 PMID: 25741868, with internal and published modifications).